The following is an entry in ClinVar:

ClinVar aggregate classification (germline): Likely pathogenic (1 of 4 stars; one submission).

Conditions:
3-methylcrotonyl-CoA carboxylase 1 deficiency (MCC1D). Also called: MCCD TYPE 1; METHYLCROTONYLGLYCINURIA TYPE I; MCC 1 deficiency; 3 Alpha methylcrotonylglycinuria 1. Identifiers: Orphanet 6, MedGen CN028786, MONDO:0008861, OMIM 210200.

Allele frequency attached by ClinVar (database versions not stated): TOPMed below 0.00001.

Submission:

Labcorp Genetics (formerly Invitae), Labcorp
Classification: Likely pathogenic for 3-methylcrotonyl-CoA carboxylase 1 deficiency. Last evaluated: 2025-03-09. Review status: criteria provided, single submitter. Criteria: Invitae Variant Classification Sherloc (09022015). Collection method: clinical testing. Allele origin: germline.
Comment: This sequence change affects an acceptor splice site in intron 13 of the MCCC1 gene. It is expected to disrupt RNA splicing. Variants that disrupt the donor or acceptor splice site typically lead to a loss of protein function (PMID: 16199547), and loss-of-function variants in MCCC1 are known to be pathogenic (PMID: 11181649, 15359379, 22642865). This variant is not present in population databases (gnomAD no frequency). This variant has not been reported in the literature in individuals affected with MCCC1-related conditions. ClinVar contains an entry for this variant (Variation ID: 1487797). Algorithms developed to predict the effect of sequence changes on RNA splicing suggest that this variant may disrupt the consensus splice site. In summary, the currently available evidence indicates that the variant is pathogenic, but additional data are needed to prove that conclusively. Therefore, this variant has been classified as Likely Pathogenic.

Literature cited by the submitters: PubMed 16199547; PubMed 11181649; PubMed 15359379; PubMed 22642865.

NM_020166.5(MCCC1):c.1595-2A>G

Gene: MCCC1 (methylcrotonyl-CoA carboxylase subunit 1; minus strand). Cytogenetic location: 3q27.1.
Variant type: single nucleotide variant.
Coding change: c.1595-2A>G on transcript NM_020166.5 (MANE Select); the canonical splice acceptor site of the intron before coding-DNA position 1595, A replaced by G.
Molecular consequence: splice acceptor variant.
Genome position (GRCh38, 1-based): chr3:183,034,079, T>C on the plus strand (A>G on the coding strand, the complement: MCCC1 is on the minus strand). VCF-style: chr3-183034079-T-C. GRCh37 (hg19) VCF-style: chr3-182751867-T-C.
Other names: c.1268-2A>G (NM_001363880.1); c.1244-2A>G (NM_001293273.2).
Identifiers: ClinVar variation 1487797 (VCV001487797.6), dbSNP rs1235781420, ClinGen allele CA355318654.
Genomic context (GRCh38, chr3:183,034,079, plus strand): 5'-TCTGGTATACGAGATATTCAGTCTTCTTCCACTGCTAGACGAAAATGGAGAGAATTGATC[T>C]AGAAAAAATTTAAAATTCAGTAACAAACTTATGAGTATCAAGCCTATGAAATTTACACCT-3'